The following is an entry in ClinVar:

ClinVar aggregate classification (germline): Uncertain significance. Review status: criteria provided, multiple submitters, no conflicts (2 of 4 stars). 3 submissions from 3 submitters: Uncertain significance (3). Last evaluated 2026-08-05.

Conditions:
Leigh syndrome (NULS). Also called: Leigh's syndrome; Leigh Disease; Subacute necrotizing encephalopathy; Necrotizing encephalopathy infantile subacute of Leigh; LEIGH SYNDROME, NUCLEAR; Leigh's necrotizing encephalopathy. Identifiers: Orphanet 506, MedGen C2931891, MONDO:0009723, OMIM 256000.

Allele frequency attached by ClinVar (database versions not stated): gnomAD 0.00004 and 0.00003; gnomAD exomes 0.00004 and 0.00002; ExAC 0.00003; ESP Exome Variant Server 0.00008; TOPMed 0.00004.
gnomAD v4.1: 67 of 1,609,994 alleles (0.0042%); highest among the groups gnomAD compares: African/African-American, 0.0053%; no homozygotes.

Submissions (3):

GeneDx
Classification: Uncertain significance. Last evaluated: 2026-08-05. Review status: criteria provided, single submitter. Criteria: GeneDx Variant Classification Process June 2021. Collection method: clinical testing. Allele origin: germline.
Comment: In silico analysis supports that this missense variant has a deleterious effect on protein structure/function; Has not been previously published as pathogenic or benign to our knowledge

Labcorp Genetics (formerly Invitae), Labcorp
Classification: Uncertain significance. Last evaluated: 2022-07-18. Review status: criteria provided, single submitter. Criteria: Invitae Variant Classification Sherloc (09022015). Collection method: clinical testing. Allele origin: germline.
Comment: This sequence change replaces glutamic acid, which is acidic and polar, with lysine, which is basic and polar, at codon 88 of the COQ9 protein (p.Glu88Lys). This variant is present in population databases (rs149029279, gnomAD 0.01%). This variant has not been reported in the literature in individuals affected with COQ9-related conditions. ClinVar contains an entry for this variant (Variation ID: 1218288). Algorithms developed to predict the effect of missense changes on protein structure and function output the following: SIFT: "Tolerated"; PolyPhen-2: "Benign"; Align-GVGD: "Class C0". The lysine amino acid residue is found in multiple mammalian species, which suggests that this missense change does not adversely affect protein function. In summary, the available evidence is currently insufficient to determine the role of this variant in disease. Therefore, it has been classified as a Variant of Uncertain Significance.

Department of Pathology and Laboratory Medicine, Sinai Health System
Classification: Uncertain significance for Leigh syndrome. Last evaluated: 2022-02-22. Review status: criteria provided, single submitter. Criteria: ACMG Guidelines, 2015. Collection method: research. Allele origin: germline.

NM_020312.4(COQ9):c.262G>A (p.Glu88Lys)

Gene: COQ9 (coenzyme Q9; plus strand). Cytogenetic location: 16q21.
Variant type: single nucleotide variant.
Coding change: c.262G>A on transcript NM_020312.4 (MANE Select); coding-DNA position 262, G replaced by A.
Protein change: p.Glu88Lys; replaces glutamic acid 88 with lysine.
Molecular consequence: missense variant.
Genome position (GRCh38, 1-based): chr16:57,452,820, G>A. VCF-style: chr16-57452820-G-A. GRCh37 (hg19) VCF-style: chr16-57486732-G-A.
Other names: short protein forms E88K.
Identifiers: ClinVar variation 1218288 (VCV001218288.8), dbSNP rs149029279, ClinGen allele CA8076139.
Genomic context (GRCh38, chr16:57,452,820, plus strand): 5'-CCAGGAGATGAAGTATGCTGGGCTGTGTCCTCTTGTCTCAGGTATACAGACCAGGGCGGC[G>A]AGGAGGAGGAGGACTATGAAAGTGAGGAGCAGTTGCAGCACCGCATCCTGACGGCAGCCC-3'
Protein context (NP_064708.1, residues 78-98): SPPRYTDQGG[Glu88Lys]EEEDYESEEQ